The following is an entry in ClinVar:

NM_006031.6(PCNT):c.9394-9T>G

Gene: PCNT (pericentrin; plus strand). Cytogenetic location: 21q22.3.
Variant type: single nucleotide variant.
Coding change: c.9394-9T>G on transcript NM_006031.6 (MANE Select); 9 bases into the intron before coding-DNA position 9394, T replaced by G.
Molecular consequence: intron variant.
Genome position (GRCh38, 1-based): chr21:46,440,846, T>G. VCF-style: chr21-46440846-T-G. GRCh37 (hg19) VCF-style: chr21-47860759-T-G.
Other names: c.8803-9T>G (NM_001315529.2).
Identifiers: ClinVar variation 4984864 (VCV004984864.1).

ClinVar aggregate classification (germline): Likely benign (1 of 4 stars; one submission).

Conditions:
PCNT-related disorder. Also called: PCNT-related condition.

gnomAD v4.1: 1 of 1,560,542 alleles (0.000064%); highest among the groups gnomAD compares: Admixed American, 0.0017%; no homozygotes.

Submission:

PreventionGenetics, part of Exact Sciences
Classification: Likely benign for PCNT-related condition. Last evaluated: 2025-12-29. Review status: criteria provided, single submitter. Criteria: ACMG Guidelines, 2015. Collection method: clinical testing. Allele origin: germline.
Comment: This variant is classified as likely benign based on ACMG/AMP sequence variant interpretation guidelines (Richards et al. 2015 PMID: 25741868, with internal and published modifications).